The following is an entry in ClinVar:

ClinVar aggregate classification (germline): Benign/Likely benign. Review status: criteria provided, multiple submitters, no conflicts (2 of 4 stars). 5 submissions from 5 submitters: Benign (4); Likely benign (1). Last evaluated 2026-02-02.

Conditions:
Ehlers-Danlos syndrome (EDS). Identifiers: Orphanet 98249, MedGen C0013720, MONDO:0020066.
Ehlers-Danlos syndrome, musculocontractural type 2 (EDSMC2). Identifiers: Orphanet 2953, MedGen C3809845, MONDO:0014236, OMIM 615539.

Allele frequency attached by ClinVar (database versions not stated): gnomAD 0.02952 and 0.03160; TOPMed 0.03281; ESP Exome Variant Server 0.03322; 1000 Genomes Project 0.03494; 1000 Genomes Project 30x 0.03545.
gnomAD v4.1: 10,028 of 1,613,958 alleles (0.62%); highest among the groups gnomAD compares: African/African-American, 10%; 368 homozygotes.

Submissions (13):

Labcorp Genetics (formerly Invitae), Labcorp
Classification: Benign for Ehlers-Danlos syndrome, musculocontractural type 2. Last evaluated: 2026-02-02. Review status: criteria provided, single submitter. Criteria: Invitae Variant Classification Sherloc (09022015). Collection method: clinical testing. Allele origin: germline.

Women's Health and Genetics/Laboratory Corporation of America, LabCorp
Classification: Likely benign. Last evaluated: 2026-01-22. Review status: criteria provided, single submitter. Criteria: LabCorp Variant Classification Summary - May 2015. Collection method: clinical testing. Allele origin: germline.

Mayo Clinic Laboratories, Mayo Clinic
Classification: Benign. Last evaluated: 2023-06-17. Review status: criteria provided, single submitter. Criteria: ACMG Guidelines, 2015. Collection method: clinical testing. Allele origin: germline. Observed: 23 variant alleles.

Genome Diagnostics Laboratory, The Hospital for Sick Children
Classification: Benign for Ehlers-Danlos syndrome. Last evaluated: 2022-02-04. Review status: criteria provided, single submitter. Criteria: ACMG Guidelines, 2015. Collection method: clinical testing. Allele origin: germline.

GeneDx
Classification: Benign. Last evaluated: 2016-11-02. Review status: criteria provided, single submitter. Criteria: GeneDx Variant Classification (06012015). Collection method: clinical testing. Allele origin: germline. Affected: yes.
Comment: This variant is considered likely benign or benign based on one or more of the following criteria: it is a conservative change, it occurs at a poorly conserved position in the protein, it is predicted to be benign by multiple in silico algorithms, and/or has population frequency not consistent with disease.

Dr. Peter K. Rogan Lab, Western University
No classification provided (evidence only). Condition: Colon adenocarcinoma. Review status: no classification provided. Collection method: in vitro. Allele origin: not applicable. Functional consequence: retained intron. Not counted in ClinVar's aggregate classification.

Dr. Peter K. Rogan Lab, Western University
No classification provided (evidence only). Condition: Colon adenocarcinoma. Review status: no classification provided. Collection method: in vitro. Allele origin: not applicable. Functional consequence: retained intron. Not counted in ClinVar's aggregate classification.

Dr. Peter K. Rogan Lab, Western University
No classification provided (evidence only). Condition: Uterine corpus endometrial carcinoma. Review status: no classification provided. Collection method: in vitro. Allele origin: not applicable. Functional consequence: retained intron. Not counted in ClinVar's aggregate classification.

Dr. Peter K. Rogan Lab, Western University
No classification provided (evidence only). Condition: Cervical cancer. Review status: no classification provided. Collection method: in vitro. Allele origin: not applicable. Functional consequence: retained intron. Not counted in ClinVar's aggregate classification.

Dr. Peter K. Rogan Lab, Western University
No classification provided (evidence only). Condition: Cervical cancer. Review status: no classification provided. Collection method: in vitro. Allele origin: not applicable. Functional consequence: retained intron. Not counted in ClinVar's aggregate classification.

Dr. Peter K. Rogan Lab, Western University
No classification provided (evidence only). Condition: Hepatocellular carcinoma. Review status: no classification provided. Collection method: in vitro. Allele origin: not applicable. Functional consequence: retained intron. Not counted in ClinVar's aggregate classification.

Dr. Peter K. Rogan Lab, Western University
No classification provided (evidence only). Condition: Ovarian serous cystadenocarcinoma. Review status: no classification provided. Collection method: in vitro. Allele origin: not applicable. Functional consequence: retained intron. Not counted in ClinVar's aggregate classification.

Dr. Peter K. Rogan Lab, Western University
No classification provided (evidence only). Condition: Malignant tumor of esophagus. Review status: no classification provided. Collection method: in vitro. Allele origin: not applicable. Functional consequence: retained intron. Not counted in ClinVar's aggregate classification.

NM_013352.4(DSE):c.53G>T (p.Cys18Phe)

Gene: DSE (dermatan sulfate epimerase; plus strand). Cytogenetic location: 6q22.1.
Variant type: single nucleotide variant.
Coding change: c.53G>T on transcript NM_013352.4 (MANE Select); coding-DNA position 53, G replaced by T.
Protein change: p.Cys18Phe; replaces cysteine 18 with phenylalanine.
Molecular consequence: missense variant. On other transcripts: 5 prime UTR variant (4), non-coding transcript variant (1).
Genome position (GRCh38, 1-based): chr6:116,399,303, G>T. VCF-style: chr6-116399303-G-T. GRCh37 (hg19) VCF-style: chr6-116720466-G-T.
Other names: p.Cys18Phe; c.53G>T, p.Cys18Phe (NM_001080976.3, NM_001322937.2, NM_001322938.2 and 3 more transcripts); c.110G>T, p.Cys37Phe (NM_001322939.2); c.-505G>T (NM_001322940.2, NM_001322941.2); c.-848G>T (NM_001374520.1); c.-535G>T (NM_001374521.1); short protein forms C18F, C37F.
Identifiers: ClinVar variation 387336 (VCV000387336.18), dbSNP rs76186865, ClinGen allele CA3969444.